The following is an entry in ClinVar:

ClinVar aggregate classification (germline): Conflicting classifications of pathogenicity. Review status: criteria provided, conflicting classifications (1 of 4 stars). 3 submissions from 3 submitters: Uncertain significance (1); Likely benign (1). 1 of the submissions does not count toward it. Last evaluated 2025-11-11.

Conditions:
Hereditary cancer-predisposing syndrome. Also called: Neoplastic Syndromes, Hereditary; Hereditary neoplastic syndrome; Tumor predisposition; Hereditary Cancer Syndrome. Identifiers: Orphanet 140162, MedGen C0027672, MeSH D009386, MONDO:0015356.
Bloom syndrome (BLM). Also called: Bloom-Torre-Machacek syndrome. Identifiers: Orphanet 125, MedGen C0005859, MONDO:0008876, OMIM 210900.

Allele frequency attached by ClinVar (database versions not stated): gnomAD exomes 0.00001; ExAC 0.00002; gnomAD 0.00005; TOPMed 0.00007.
gnomAD v4.1: 7 of 1,612,470 alleles (0.00043%); highest among the groups gnomAD compares: African/African-American, 0.0094%; no homozygotes.

Submissions (3):

Labcorp Genetics (formerly Invitae), Labcorp
Classification: Uncertain significance for Bloom syndrome. Last evaluated: 2025-11-11. Review status: criteria provided, single submitter. Criteria: Invitae Variant Classification Sherloc (09022015). Collection method: clinical testing. Allele origin: germline.
Comment: This sequence change replaces histidine, which is basic and polar, with arginine, which is basic and polar, at codon 374 of the BLM protein (p.His374Arg). This variant is present in population databases (rs776225502, gnomAD 0.02%). This variant has not been reported in the literature in individuals affected with BLM-related conditions. ClinVar contains an entry for this variant (Variation ID: 524779). Invitae Evidence Modeling of protein sequence and biophysical properties (such as structural, functional, and spatial information, amino acid conservation, physicochemical variation, residue mobility, and thermodynamic stability) indicates that this missense variant is not expected to disrupt BLM protein function with a negative predictive value of 80%. In summary, the available evidence is currently insufficient to determine the role of this variant in disease. Therefore, it has been classified as a Variant of Uncertain Significance.

Ambry Genetics
Classification: Likely benign for Hereditary cancer-predisposing syndrome. Last evaluated: 2021-06-13. Review status: criteria provided, single submitter. Criteria: Ambry Variant Classification Scheme 2023. Collection method: clinical testing. Allele origin: germline.

Natera, Inc.
Classification: Uncertain significance for Bloom syndrome. Last evaluated: 2021-05-19. Review status: no assertion criteria provided. Collection method: clinical testing. Allele origin: germline. Not counted in ClinVar's aggregate classification.

NM_000057.4(BLM):c.1121A>G (p.His374Arg)

Gene: BLM (BLM RecQ like helicase; plus strand). Cytogenetic location: 15q26.1.
Variant type: single nucleotide variant.
Coding change: c.1121A>G on transcript NM_000057.4 (MANE Select); coding-DNA position 1121, A replaced by G.
Protein change: p.His374Arg; replaces histidine 374 with arginine.
Molecular consequence: missense variant. On other transcripts: 5 prime UTR variant (1).
Genome position (GRCh38, 1-based): chr15:90,760,180, A>G. VCF-style: chr15-90760180-A-G. GRCh37 (hg19) VCF-style: chr15-91303410-A-G.
Other names: c.1121A>G (NM_000057.2); c.1121A>G, p.His374Arg (NM_001287246.2, NM_001287247.2); c.-5A>G (NM_001287248.2); short protein forms H374R.
Identifiers: ClinVar variation 524779 (VCV000524779.11), dbSNP rs776225502, ClinGen allele CA7738468.